The following is an entry in ClinVar:

NM_017946.4(FKBP14):c.125C>T (p.Thr42Ile)

Genes: FKBP14 (FKBP prolyl isomerase 14; minus strand), FKBP14-AS1 (FKBP14 antisense RNA 1; plus strand). Cytogenetic location: 7p14.3.
Variant type: single nucleotide variant.
Coding change: c.125C>T on transcript NM_017946.4 (MANE Select); coding-DNA position 125, C replaced by T.
Protein change: p.Thr42Ile; replaces threonine 42 with isoleucine.
Molecular consequence: missense variant. On other transcripts: non-coding transcript variant (3).
Genome position (GRCh38, 1-based): chr7:30,026,384, G>A on the plus strand (C>T on the coding strand, the complement: FKBP14 is on the minus strand). VCF-style: chr7-30026384-G-A. GRCh37 (hg19) VCF-style: chr7-30066000-G-A.
Other names: short protein forms T42I.
Identifiers: ClinVar variation 4614169 (VCV004614169.1).

ClinVar aggregate classification (germline): Uncertain significance (1 of 4 stars; one submission).

Conditions:
Cardiovascular phenotype. Identifiers: MedGen CN230736.

Submission:

Ambry Genetics
Classification: Uncertain significance for Cardiovascular phenotype. Last evaluated: 2025-09-24. Review status: criteria provided, single submitter. Criteria: Ambry Variant Classification Scheme 2023. Collection method: clinical testing. Allele origin: germline.
Comment: The p.T42I variant (also known as c.125C>T), located in coding exon 1 of the FKBP14 gene, results from a C to T substitution at nucleotide position 125. The threonine at codon 42 is replaced by isoleucine, an amino acid with similar properties. This amino acid position is not well conserved in available vertebrate species. In addition, this alteration is predicted to be tolerated by in silico analysis. Based on the available evidence, the clinical significance of this variant remains unclear.